The following is an entry in ClinVar:

ClinVar aggregate classification (germline): Uncertain significance. Review status: criteria provided, multiple submitters, no conflicts (2 of 4 stars). 2 submissions from 2 submitters: Uncertain significance (2). Last evaluated 2025-07-02.

gnomAD v4.1: 19 of 1,613,888 alleles (0.0012%); highest among the groups gnomAD compares: Middle Eastern, 0.033%; no homozygotes.

Submissions (2):

Labcorp Genetics (formerly Invitae), Labcorp
Classification: Uncertain significance. Last evaluated: 2025-07-02. Review status: criteria provided, single submitter. Criteria: Invitae Variant Classification Sherloc (09022015). Collection method: clinical testing. Allele origin: germline.
Comment: This sequence change replaces glutamic acid, which is acidic and polar, with lysine, which is basic and polar, at codon 1307 of the MYH7B protein (p.Glu1307Lys). This variant is present in population databases (rs768400717, gnomAD 0.02%). This variant has not been reported in the literature in individuals affected with MYH7B-related conditions. Invitae Evidence Modeling of protein sequence and biophysical properties (such as structural, functional, and spatial information, amino acid conservation, physicochemical variation, residue mobility, and thermodynamic stability) indicates that this missense variant is expected to disrupt MYH7B protein function with a positive predictive value of 80%. In summary, the available evidence is currently insufficient to determine the role of this variant in disease. Therefore, it has been classified as a Variant of Uncertain Significance.

Ambry Genetics
Classification: Uncertain significance. Last evaluated: 2025-06-03. Review status: criteria provided, single submitter. Criteria: Ambry Variant Classification Scheme 2023. Collection method: clinical testing. Allele origin: germline.

NM_020884.7(MYH7B):c.3793G>A (p.Glu1265Lys)

Gene: MYH7B (myosin heavy chain 7B; plus strand). Cytogenetic location: 20q11.22.
Variant type: single nucleotide variant.
Coding change: c.3793G>A on transcript NM_020884.7 (MANE Select); coding-DNA position 3793, G replaced by A.
Protein change: p.Glu1265Lys; replaces glutamic acid 1265 with lysine.
Molecular consequence: missense variant.
Genome position (GRCh38, 1-based): chr20:34,998,340, G>A. VCF-style: chr20-34998340-G-A. GRCh37 (hg19) VCF-style: chr20-33586143-G-A.
Other names: short protein forms E1265K.
Identifiers: ClinVar variation 3915653 (VCV003915653.2).